The following is an entry in ClinVar:

NM_001278116.2(L1CAM):c.1703+1G>C

Gene: L1CAM (L1 cell adhesion molecule; minus strand). Cytogenetic location: Xq28.
Variant type: single nucleotide variant.
Coding change: c.1703+1G>C on transcript NM_001278116.2 (MANE Select); the canonical splice donor site of the intron after coding-DNA position 1703, G replaced by C.
Molecular consequence: splice donor variant.
Genome position (GRCh38, 1-based): chrX:153,868,301, C>G on the plus strand (G>C on the coding strand, the complement: L1CAM is on the minus strand). VCF-style: chrX-153868301-C-G. GRCh37 (hg19) VCF-style: chrX-153133756-C-G.
Other names: c.1688+1G>C (NM_001143963.2); c.1703+1G>C (NM_024003.3, NM_000425.5).
Identifiers: ClinVar variation 3347816 (VCV003347816.1).

ClinVar aggregate classification (germline): Likely pathogenic (0 of 4 stars; one submission).

Conditions:
L1CAM-related disorder. Also called: L1CAM-related condition.

Submission:

PreventionGenetics, part of Exact Sciences
Classification: Likely pathogenic for L1CAM-related condition. Last evaluated: 2024-09-26. Review status: no assertion criteria provided. Collection method: clinical testing. Allele origin: germline.
Comment: The L1CAM c.1703+1G>C variant is predicted to disrupt the GT donor site and interfere with normal splicing. To our knowledge, this variant has not been reported in the literature or in a large population database, indicating this variant is rare. Variants that disrupt the consensus splice donor site in L1CAM are expected to be pathogenic. This variant is interpreted as likely pathogenic.